The following is an entry in ClinVar:

ClinVar aggregate classification (germline): Pathogenic. Review status: criteria provided, multiple submitters, no conflicts (2 of 4 stars). 2 submissions from 2 submitters: Pathogenic (2). Last evaluated 2022-12-20.

Conditions:
Congenital myasthenic syndrome 12 (CMS12). Also called: MYASTHENIC SYNDROME, CONGENITAL, WITH TUBULAR AGGREGATES 1; Myasthenia, congenital, 12, with tubular aggregates. Identifiers: Orphanet 353327, Orphanet 590, MedGen C3552335, MONDO:0012518, OMIM 610542.

Allele frequency attached by ClinVar (database versions not stated): gnomAD exomes below 0.00001; gnomAD 0.00001; TOPMed 0.00001.

Submissions (2):

Labcorp Genetics (formerly Invitae), Labcorp
Classification: Pathogenic for Congenital myasthenic syndrome 12. Last evaluated: 2022-12-20. Review status: criteria provided, single submitter. Criteria: Invitae Variant Classification Sherloc (09022015). Collection method: clinical testing. Allele origin: germline.
Comment: This variant is present in population databases (no rsID available, gnomAD 0.003%). This sequence change creates a premature translational stop signal (p.Arg230*) in the GFPT1 gene. It is expected to result in an absent or disrupted protein product. Loss-of-function variants in GFPT1 are known to be pathogenic (PMID: 23794683). This variant has not been reported in the literature in individuals affected with GFPT1-related conditions. For these reasons, this variant has been classified as Pathogenic. ClinVar contains an entry for this variant (Variation ID: 1073758).

New York Genome Center
Classification: Pathogenic for Congenital myasthenic syndrome 12. Last evaluated: 2021-05-21. Review status: criteria provided, single submitter. Criteria: NYGC Assertion Criteria 2020. Collection method: clinical testing. Allele origin: germline. Affected: yes. Observed: 1 homozygote. Study: CSER-NYCKidSeq.
Comment: The homozygous c.686dup, p.Arg230Ter frameshift variant identified in GFPT1 has been reported in individuals with the congenital myasthenic syndrome (PMID:32754643). This variant is at the 5’ end of exon 9, adjacent to the splice acceptor site of the muscle/heart specific transcript (NM_001244710). It creates a premature translational stop signal expected to result in an absent or disrupted protein product. The variant is observed in a single individual (1/152220) as a heterozygous change in the gnomAD v3.1.1 database. Loss-of-function variants in GFPT1 are known to be pathogenic (PMID:23794683). Based on the available evidence, the c.686dup, p.Arg230Ter variant in the GFPT1 gene is classified as pathogenic.

Literature cited by the submitters: PubMed 23794683 (cited by Labcorp Genetics (formerly Invitae), Labcorp); PubMed 32754643 (cited by New York Genome Center).

NM_001244710.2(GFPT1):c.686dup (p.Ala229_Arg230insTer)

Gene: GFPT1 (glutamine--fructose-6-phosphate transaminase 1; minus strand). Cytogenetic location: 2p13.3.
Variant type: Duplication.
Coding change: c.686dup on transcript NM_001244710.2 (MANE Select); coding-DNA position 686, one base duplicated (C; older notation c.686dupC).
Protein change: p.Ala229_Arg230insTer.
Molecular consequence: frameshift variant. On other transcripts: intron variant (1).
Genome position (GRCh38, 1-based): chr2:69,354,312, G duplicated on the plus strand (C on the coding strand, the reverse complement: GFPT1 is on the minus strand). VCF-style (leftmost placement, unchanged base first): chr2-69354311-A-AG. GRCh37 (hg19) VCF-style: chr2-69581443-A-AG.
Other names: c.685+177dup (NM_002056.4).
Identifiers: ClinVar variation 1073758 (VCV001073758.7), dbSNP rs1380136176, ClinGen allele CA533195449.